The following is an entry in ClinVar:

ClinVar aggregate classification (germline): Uncertain significance (1 of 4 stars; one submission).

Conditions:
Long QT syndrome 10 (LQT10). Identifiers: Orphanet 101016, Orphanet 768, MedGen C2678484, MONDO:0012737, OMIM 611819.

Submission:

Labcorp Genetics (formerly Invitae), Labcorp
Classification: Uncertain significance for Long QT syndrome 10. Last evaluated: 2019-05-24. Review status: criteria provided, single submitter. Criteria: Invitae Variant Classification Sherloc (09022015). Collection method: clinical testing. Allele origin: germline.
Comment: This variant, c.537_542del, results in the deletion of 2 amino acid(s) of the SCN4B protein (p.Ile180_Leu181del), but otherwise preserves the integrity of the reading frame. This variant is not present in population databases (ExAC no frequency). This variant has not been reported in the literature in individuals with SCN4B-related conditions. Experimental studies and prediction algorithms are not available or were not evaluated for this variant, and the functional significance of the affected amino acid(s) is currently unknown. In summary, the available evidence is currently insufficient to determine the role of this variant in disease. Therefore, it has been classified as a Variant of Uncertain Significance.

NM_174934.4(SCN4B):c.531CATCCT[1] (p.178IL[1])

Gene: SCN4B (sodium voltage-gated channel beta subunit 4; minus strand). Cytogenetic location: 11q23.3.
Variant type: Microsatellite.
Coding change: c.531CATCCT[1] on transcript NM_174934.4 (MANE Select); one copy of the 6-base unit CATCCT starting at c.531; the reference has two copies in a row; one copy, 6 bases deleted.
Protein change: p.178IL[1].
Molecular consequence: inframe deletion. On other transcripts: non-coding transcript variant (1).
Genome position (GRCh38, 1-based): chr11:118,141,258-118,141,263, AGGATG deleted on the plus strand (CATCCT on the coding strand, the reverse complement: SCN4B is on the minus strand); deleting any 6 consecutive bases within chr11:118,141,258-118,141,273 gives the same sequence; the position shown is the placement nearest the transcript's 3' end. VCF-style (leftmost placement, unchanged base first): chr11-118141257-CAGGATG-C. GRCh37 (hg19) VCF-style: chr11-118011972-CAGGATG-C.
Other names: c.129CATCCT[1], p.44IL[1] (NM_001142348.2); c.201CATCCT[1], p.68IL[1] (NM_001142349.2).
Identifiers: ClinVar variation 948418 (VCV000948418.9), dbSNP rs1447414158, ClinGen allele CA918978157.